The following is an entry in ClinVar:

NM_002439.5(MSH3):c.2432T>C (p.Leu811Pro)

Gene: MSH3 (mutS homolog 3; plus strand). Cytogenetic location: 5q14.1.
Variant type: single nucleotide variant.
Coding change: c.2432T>C on transcript NM_002439.5 (MANE Select); coding-DNA position 2432, T replaced by C.
Protein change: p.Leu811Pro; replaces leucine 811 with proline.
Molecular consequence: missense variant.
Genome position (GRCh38, 1-based): chr5:80,778,833, T>C. VCF-style: chr5-80778833-T-C. GRCh37 (hg19) VCF-style: chr5-80074652-T-C.
Other names: short protein forms L811P.
Identifiers: ClinVar variation 4654854 (VCV004654854.1).

ClinVar aggregate classification (germline): Uncertain significance (1 of 4 stars; one submission).

Conditions:
Hereditary cancer-predisposing syndrome. Also called: Neoplastic Syndromes, Hereditary; Tumor predisposition; Hereditary Cancer Syndrome; Hereditary neoplastic syndrome. Identifiers: Orphanet 140162, MedGen C0027672, MeSH D009386, MONDO:0015356.

Submission:

Ambry Genetics
Classification: Uncertain significance for Hereditary cancer-predisposing syndrome. Last evaluated: 2025-11-16. Review status: criteria provided, single submitter. Criteria: Ambry Variant Classification Scheme 2023. Collection method: clinical testing. Allele origin: germline.
Comment: The p.L811P variant (also known as c.2432T>C), located in coding exon 17 of the MSH3 gene, results from a T to C substitution at nucleotide position 2432. The leucine at codon 811 is replaced by proline, an amino acid with similar properties. This amino acid position is conserved. In addition, this alteration is predicted to be deleterious by in silico analysis. Based on the available evidence, the clinical significance of this variant remains unclear.